The following is an entry in ClinVar:

NM_003126.4(SPTA1):c.401A>G (p.Glu134Gly)

Gene: SPTA1 (spectrin alpha, erythrocytic 1; minus strand). Cytogenetic location: 1q23.1.
Variant type: single nucleotide variant.
Coding change: c.401A>G on transcript NM_003126.4 (MANE Select); coding-DNA position 401, A replaced by G.
Protein change: p.Glu134Gly; replaces glutamic acid 134 with glycine.
Molecular consequence: missense variant.
Genome position (GRCh38, 1-based): chr1:158,681,657, T>C on the plus strand (A>G on the coding strand, the complement: SPTA1 is on the minus strand). VCF-style: chr1-158681657-T-C. GRCh37 (hg19) VCF-style: chr1-158651447-T-C.
Other names: p.Glu134Gly; short protein forms E134G.
Identifiers: ClinVar variation 2682674 (VCV002682674.6), dbSNP rs191151467, ClinGen allele CA1184150.
Genomic context (GRCh38, chr1:158,681,657, plus strand): 5'-AACTGGTCACCCTTCTCCAGGGTCAGCTCTAACAGCAGGTCCCACAGGTGGCGTAGCTCC[T>C]CTATATGGGCCTTTAGGAAAGAGGGGCAAAACCACTCAGCCACAGACACTGGGAGCAGGG-3'
Protein context (NP_003117.2, residues 124-144): SAHEETKAHI[Glu134Gly]ELRHLWDLLL

ClinVar aggregate classification (germline): Conflicting classifications of pathogenicity. Review status: criteria provided, conflicting classifications (1 of 4 stars). 4 submissions from 4 submitters: Uncertain significance (3); Benign (1). Last evaluated 2024-11-21.

Allele frequency attached by ClinVar (database versions not stated): gnomAD exomes 0.00004; ExAC 0.00010; gnomAD 0.00029; TOPMed 0.00034; ESP Exome Variant Server 0.00041; 1000 Genomes Project 0.00060; 1000 Genomes Project 30x 0.00062.
gnomAD v4.1: 98 of 1,613,566 alleles (0.0061%); highest among the groups gnomAD compares: African/African-American, 0.13%; no homozygotes.

Submissions (4):

Labcorp Genetics (formerly Invitae), Labcorp
Classification: Benign. Last evaluated: 2024-11-21. Review status: criteria provided, single submitter. Criteria: Invitae Variant Classification Sherloc (09022015). Collection method: clinical testing. Allele origin: germline.

Ambry Genetics
Classification: Uncertain significance. Last evaluated: 2024-02-26. Review status: criteria provided, single submitter. Criteria: Ambry Variant Classification Scheme 2023. Collection method: clinical testing. Allele origin: germline.

ARUP Laboratories, Molecular Genetics and Genomics, ARUP Laboratories
Classification: Uncertain significance. Last evaluated: 2023-10-27. Review status: criteria provided, single submitter. Criteria: ARUP Molecular Germline Variant Investigation Process 2024. Collection method: clinical testing. Allele origin: germline.

Mayo Clinic Laboratories, Mayo Clinic
Classification: Uncertain significance. Last evaluated: 2022-10-18. Review status: criteria provided, single submitter. Criteria: ACMG Guidelines, 2015. Collection method: clinical testing. Allele origin: germline. Observed: 1 variant allele.
Comment: BP4